The following is an entry in ClinVar:

NM_000186.4(CFH):c.2421A>G (p.Gln807=)

Gene: CFH (complement factor H; plus strand). Cytogenetic location: 1q31.3.
Variant type: single nucleotide variant.
Coding change: c.2421A>G on transcript NM_000186.4 (MANE Select); coding-DNA position 2421, A replaced by G.
Protein change: p.Gln807=; no amino-acid change (glutamine 807 retained).
Molecular consequence: synonymous variant.
Genome position (GRCh38, 1-based): chr1:196,736,831, A>G. VCF-style: chr1-196736831-A-G. GRCh37 (hg19) VCF-style: chr1-196705961-A-G.
Other names: p.Gln807=.
Identifiers: ClinVar variation 1900997 (VCV001900997.7), dbSNP rs200859144, ClinGen allele CA1305664.
Genomic context (GRCh38, chr1:196,736,831, plus strand): 5'-TTTTATTTTTTATTTTTTATTATAACATTAATTATATTTTTAATATTTTTTAGTGGCACA[A>G]ATACAATTATGCCCACCTCCACCTCAGATTCCCAATTCTCACAATATGACAACCACACTG-3'
Protein context (NP_000177.2, residues 797-817): WDPEVNCSMA[Gln807=]IQLCPPPPQI

ClinVar aggregate classification (germline): Likely benign. Review status: criteria provided, multiple submitters, no conflicts (2 of 4 stars). 3 submissions from 3 submitters: Likely benign (3). Last evaluated 2025-06-18.

Allele frequency attached by ClinVar (database versions not stated): gnomAD exomes 0.00001; ExAC 0.00003; gnomAD 0.00013; TOPMed 0.00013.
gnomAD v4.1: 34 of 1,425,398 alleles (0.0024%); highest among the groups gnomAD compares: African/African-American, 0.047%; no homozygotes.

Submissions (3):

Mayo Clinic Laboratories, Mayo Clinic
Classification: Likely benign. Last evaluated: 2025-06-18. Review status: criteria provided, single submitter. Criteria: ACMG Guidelines, 2015. Collection method: clinical testing. Allele origin: germline. Observed: 2 variant alleles.
Comment: BP4, BP7

Labcorp Genetics (formerly Invitae), Labcorp
Classification: Likely benign. Last evaluated: 2025-02-15. Review status: criteria provided, single submitter. Criteria: Invitae Variant Classification Sherloc (09022015). Collection method: clinical testing. Allele origin: germline.

Blueprint Genetics
Classification: Likely benign. Last evaluated: 2022-07-14. Review status: criteria provided, single submitter. Criteria: ACMG Guidelines, 2015. Collection method: clinical testing. Allele origin: germline.